The following is an entry in ClinVar:

ClinVar aggregate classification (germline): Uncertain significance (0 of 4 stars; one submission).

Conditions:
ECE1-related disorder. Also called: ECE1-related condition.

gnomAD v4.1: 36 of 1,611,888 alleles (0.0022%); highest among the groups gnomAD compares: Admixed American, 0.0067%; no homozygotes.

Submission:

PreventionGenetics, part of Exact Sciences
Classification: Uncertain significance for ECE1-related condition. Last evaluated: 2024-03-24. Review status: no assertion criteria provided. Collection method: clinical testing. Allele origin: germline.
Comment: The ECE1 c.35C>G variant is predicted to result in the amino acid substitution p.Pro12Arg. To our knowledge, this variant has not been reported in the literature. This variant is reported in 0.0029% of alleles in individuals of Latino descent in gnomAD. At this time, the clinical significance of this variant is uncertain due to the absence of conclusive functional and genetic evidence.

NM_001397.3(ECE1):c.139-68C>G

Gene: ECE1 (endothelin converting enzyme 1; minus strand). Cytogenetic location: 1p36.12.
Variant type: single nucleotide variant.
Coding change: c.139-68C>G on transcript NM_001397.3 (MANE Select); 68 bases into the intron before coding-DNA position 139, C replaced by G.
Molecular consequence: intron variant. On other transcripts: missense variant (1).
Genome position (GRCh38, 1-based): chr1:21,279,400, G>C on the plus strand (C>G on the coding strand, the complement: ECE1 is on the minus strand). VCF-style: chr1-21279400-G-C. GRCh37 (hg19) VCF-style: chr1-21605893-G-C.
Other names: c.35C>G, p.Pro12Arg (NM_001113347.2); c.91-68C>G (NM_001113348.2); c.130-68C>G (NM_001113349.2); short protein forms P12R.
Identifiers: ClinVar variation 3357729 (VCV003357729.1).
Genomic context (GRCh38, chr1:21,279,400, plus strand): 5'-GAAGGAGGCAGGAGGGGCGGGGAAGACGTGAGCCCCGGGCCCCGCTTCCCTTGGAGGAAG[G>C]GGTTCCGCTGCAGGCCCAGGCCCTGGAGAGGCATCAGGGCTGCCTCCTGTCTCAGGGGTG-3'